The following is an entry in ClinVar:

ClinVar aggregate classification (germline): Uncertain significance (1 of 4 stars; one submission).

gnomAD v4.1: 7 of 1,211,135 alleles (0.00058%); highest among the groups gnomAD compares: East Asian, 0.003%; no homozygotes.

Submission:

GeneDx
Classification: Uncertain significance. Last evaluated: 2024-08-08. Review status: criteria provided, single submitter. Criteria: GeneDx Variant Classification Process June 2021. Collection method: clinical testing. Allele origin: germline. Affected: yes.
Comment: Not observed at significant frequency in large population cohorts (gnomAD); In silico analysis indicates that this missense variant does not alter protein structure/function; Has not been previously published as pathogenic or benign to our knowledge

NM_001448.3(GPC4):c.1151G>A (p.Arg384Gln)

Gene: GPC4 (glypican 4; minus strand). Cytogenetic location: Xq26.2.
Variant type: single nucleotide variant.
Coding change: c.1151G>A on transcript NM_001448.3 (MANE Select); coding-DNA position 1151, G replaced by A.
Protein change: p.Arg384Gln; replaces arginine 384 with glutamine.
Molecular consequence: missense variant.
Genome position (GRCh38, 1-based): chrX:133,305,776, C>T on the plus strand (G>A on the coding strand, the complement: GPC4 is on the minus strand). VCF-style: chrX-133305776-C-T. GRCh37 (hg19) VCF-style: chrX-132439804-C-T.
Other names: short protein forms R384Q.
Identifiers: ClinVar variation 3602857 (VCV003602857.1).